The following is an entry in ClinVar:

ClinVar aggregate classification (germline): Uncertain significance (1 of 4 stars; one submission).

gnomAD v4.1: 4 of 1,613,298 alleles (0.00025%); highest among the groups gnomAD compares: South Asian, 0.0044%; no homozygotes.

Submission:

Ambry Genetics
Classification: Uncertain significance. Last evaluated: 2026-08-24. Review status: criteria provided, single submitter. Criteria: Ambry Variant Classification Scheme 2023. Collection method: clinical testing. Allele origin: germline.
Comment: The p.S16T variant (also known as c.47G>C), located in coding exon 2 of the RECQL gene, results from a G to C substitution at nucleotide position 47. The serine at codon 16 is replaced by threonine, an amino acid with similar properties. This amino acid position is conserved. In addition, this alteration is predicted to be tolerated by in silico analysis. Based on the available evidence, the clinical significance of this variant remains unclear.

NM_002907.4(RECQL):c.47G>C (p.Ser16Thr)

Gene: RECQL (RecQ like helicase; minus strand). Cytogenetic location: 12p12.1.
Variant type: single nucleotide variant.
Coding change: c.47G>C on transcript NM_002907.4 (MANE Select); coding-DNA position 47, G replaced by C.
Protein change: p.Ser16Thr; replaces serine 16 with threonine.
Molecular consequence: missense variant.
Genome position (GRCh38, 1-based): chr12:21,491,686, C>G on the plus strand (G>C on the coding strand, the complement: RECQL is on the minus strand). VCF-style: chr12-21491686-C-G. GRCh37 (hg19) VCF-style: chr12-21644620-C-G.
Other names: c.47G>C, p.Ser16Thr (NM_032941.3); short protein forms S16T.
Identifiers: ClinVar variation 5028037 (VCV005028037.1).
Genomic context (GRCh38, chr12:21,491,686, plus strand): 5'-ATAAGCTCTTGTTGCCTTTCCGTAAGTTCTTGAATTTGAATTTCTACTGCATGTAGCTCA[C>G]TGGTTATAGAATCCAGTTCCTCAGTTAGAGCTATGGGAGGCAGCGCGGATACAATGATTA-3'
Protein context (NP_002898.2, residues 6-26): ALTEELDSIT[Ser16Thr]ELHAVEIQIQ